The following is an entry in ClinVar:

NM_182948.4(PRKACB):c.250-508_250-505dup

Gene: PRKACB (protein kinase cAMP-activated catalytic subunit beta; plus strand). Cytogenetic location: 1p31.1.
Variant type: Duplication.
Coding change: c.250-508_250-505dup on transcript NM_182948.4 (MANE Select); 508 bases into the intron before coding-DNA position 250 through 505 bases into the intron before coding-DNA position 250, 4 bases duplicated (TAAA; older notation c.250-508_250-505dupTAAA).
Molecular consequence: intron variant. On other transcripts: nonsense (1).
Genome position (GRCh38, 1-based): chr1:84,181,692-84,181,695, TAAA duplicated; duplicating any 4 consecutive bases within chr1:84,181,691-84,181,695 gives the same sequence; the c. name uses the placement nearest the transcript's 3' end. VCF-style (leftmost placement, unchanged base first): chr1-84181690-T-TATAA. GRCh37 (hg19) VCF-style: chr1-84647373-T-TATAA.
Other names: c.106-508_106-505dup (NM_001375562.1); c.97-508_97-505dup (NM_001375563.1); c.73-508_73-505dup (NM_001242858.3, NM_001375578.1, NM_001300917.2); c.130-508_130-505dup (NM_001375581.1, NM_001375569.1, NM_001242857.3); c.121-508_121-505dup (NM_001375572.1, NM_001242859.3); c.127-508_127-505dup (NM_001242860.3, NM_001300915.2, NM_001375571.1); c.118-508_118-505dup (NM_001375560.1, NM_001242861.3, NM_001375573.1 and 1 more transcripts); c.103-508_103-505dup (NM_001375561.1, NM_001375574.1, NM_001375577.1); and 5 more; short protein forms D13*.
Identifiers: ClinVar variation 4884066 (VCV004884066.2).

ClinVar aggregate classification (germline): Uncertain significance (1 of 4 stars; one submission).

Conditions:
Cardioacrofacial dysplasia 2. Identifiers: MedGen C5436886, MONDO:0030877, OMIM 619143.

Submission:

Dasa
Classification: Uncertain significance for Cardioacrofacial dysplasia 2. Last evaluated: 2026-03-03. Review status: criteria provided, single submitter. Criteria: DASA Assertion Criteria. Collection method: clinical testing. Allele origin: germline.
Comment: NM_001242862.3(PRKACB):c.33_36dup (p.Asp13*) is a frameshift variant in PRKACB predicted to alter the reading frame and introduce a premature termination codon. This variant is rare in population databases. The currently available literature and clinical evidence are not sufficient to establish a definitive association between this variant and the reported condition. Therefore, this variant is classified as a variant of uncertain significance.